The following is an entry in ClinVar:

NM_004360.5(CDH1):c.1628C>T (p.Ser543Phe)

Gene: CDH1 (cadherin 1; plus strand). Cytogenetic location: 16q22.1.
Variant type: single nucleotide variant.
Coding change: c.1628C>T on transcript NM_004360.5 (MANE Select); coding-DNA position 1628, C replaced by T.
Protein change: p.Ser543Phe; replaces serine 543 with phenylalanine.
Molecular consequence: missense variant. On other transcripts: intron variant (1).
Genome position (GRCh38, 1-based): chr16:68,819,342, C>T. VCF-style: chr16-68819342-C-T. GRCh37 (hg19) VCF-style: chr16-68853245-C-T.
Other names: c.1445C>T, p.Ser482Phe (NM_001317184.2); c.80C>T, p.Ser27Phe (NM_001317185.2); c.-254-2659C>T (NM_001317186.2); c.1628C>T (NM_004360.4); short protein forms S543F, S482F, S27F.
Identifiers: ClinVar variation 819703 (VCV000819703.17), dbSNP rs148400889, ClinGen allele CA283310383.
Genomic context (GRCh38, chr16:68,819,342, plus strand): 5'-ATCGGATTTGGAGAGACACTGCCAACTGGCTGGAGATTAATCCGGACACTGGTGCCATTT[C>T]CACTCGGGCTGAGCTGGACAGGGAGGATTTTGAGCACGTGAAGAACAGCACGTACACAGC-3'
Protein context (NP_004351.1, residues 533-553): LEINPDTGAI[Ser543Phe]TRAELDREDF

ClinVar aggregate classification (germline): Conflicting classifications of pathogenicity. Review status: criteria provided, conflicting classifications (1 of 4 stars). 3 submissions from 3 submitters: Uncertain significance (2); Likely benign (1). Last evaluated 2025-10-21.

Conditions:
Hereditary cancer-predisposing syndrome. Also called: Hereditary Cancer Syndrome; Neoplastic Syndromes, Hereditary; Hereditary neoplastic syndrome; Tumor predisposition. Identifiers: Orphanet 140162, MedGen C0027672, MeSH D009386, MONDO:0015356.
Hereditary diffuse gastric adenocarcinoma (HDGC). Also called: DIFFUSE GASTRIC AND LOBULAR BREAST CANCER SYNDROME. Identifiers: Orphanet 26106, MedGen C1708349, MONDO:0007648, OMIM 137215.

Allele frequency attached by ClinVar (database versions not stated): gnomAD exomes below 0.00001; gnomAD 0.00001; TOPMed 0.00002; ESP Exome Variant Server 0.00008.
gnomAD v4.1: 6 of 1,613,998 alleles (0.00037%); highest among the groups gnomAD compares: African/African-American, 0.004%; no homozygotes.

Submissions (3):

Labcorp Genetics (formerly Invitae), Labcorp
Classification: Uncertain significance for Hereditary diffuse gastric adenocarcinoma. Last evaluated: 2025-10-21. Review status: criteria provided, single submitter. Criteria: Invitae Variant Classification Sherloc (09022015). Collection method: clinical testing. Allele origin: germline.
Comment: This sequence change replaces serine, which is neutral and polar, with phenylalanine, which is neutral and non-polar, at codon 543 of the CDH1 protein (p.Ser543Phe). This variant is present in population databases (rs148400889, gnomAD 0.007%). This variant has not been reported in the literature in individuals affected with CDH1-related conditions. ClinVar contains an entry for this variant (Variation ID: 819703). An algorithm developed to predict the effect of missense changes on protein structure and function outputs the following: PolyPhen-2: "Benign". The phenylalanine amino acid residue is found in multiple mammalian species, which suggests that this missense change does not adversely affect protein function. In summary, the available evidence is currently insufficient to determine the role of this variant in disease. Therefore, it has been classified as a Variant of Uncertain Significance.

Quest Diagnostics Nichols Institute San Juan Capistrano
Classification: Uncertain significance. Last evaluated: 2025-03-26. Review status: criteria provided, single submitter. Criteria: Quest Diagnostics criteria. Collection method: clinical testing. Allele origin: unknown.
Comment: The CDH1 c.1628C>T (p.Ser543Phe) variant has been reported in the published literature in an individual with breast cancer (PMID: 39521942 (2024)) and in a reportedly healthy individual (PMID: 38153744 (2023)). The frequency of this variant in the general population (Genome Aggregation Database) is uninformative in the assessment of its pathogenicity. Analysis of this variant using bioinformatics tools for the prediction of the effect of amino acid changes on protein structure and function yielded predictions that this variant is benign. Based on the available information, we are unable to determine the clinical significance of this variant.

Ambry Genetics
Classification: Likely benign for Hereditary cancer-predisposing syndrome. Last evaluated: 2024-12-26. Review status: criteria provided, single submitter. Criteria: Ambry Variant Classification Scheme 2023. Collection method: clinical testing. Allele origin: germline.

Literature cited by the submitters: PubMed 38153744 (cited by Quest Diagnostics Nichols Institute San Juan Capistrano); PubMed 39521942 (cited by Quest Diagnostics Nichols Institute San Juan Capistrano).